The following is an entry in ClinVar:

ClinVar aggregate classification (germline): Uncertain significance (1 of 4 stars; one submission).

Submission:

GeneDx
Classification: Uncertain significance. Last evaluated: 2019-07-12. Review status: criteria provided, single submitter. Criteria: GeneDx Variant Classification Process June 2021. Collection method: clinical testing. Allele origin: germline. Affected: yes.
Comment: Not observed in large population cohorts (Lek et al., 2016); In silico analysis, which includes protein predictors and evolutionary conservation, supports that this variant does not alter protein structure/function; Has not been previously published as pathogenic or benign to our knowledge

NM_004281.4(BAG3):c.925C>G (p.Arg309Gly)

Gene: BAG3 (BAG cochaperone 3; plus strand). Cytogenetic location: 10q26.11.
Variant type: single nucleotide variant.
Coding change: c.925C>G on transcript NM_004281.4 (MANE Select); coding-DNA position 925, C replaced by G.
Protein change: p.Arg309Gly; replaces arginine 309 with glycine.
Molecular consequence: missense variant.
Genome position (GRCh38, 1-based): chr10:119,676,479, C>G. VCF-style: chr10-119676479-C-G. GRCh37 (hg19) VCF-style: chr10-121435991-C-G.
Other names: short protein forms R309G.
Identifiers: ClinVar variation 1177802 (VCV001177802.2), dbSNP rs869248137, ClinGen allele CA378296277.